The following is an entry in ClinVar:

NM_013432.5(TONSL):c.1011+3G>A

Gene: TONSL (tonsoku like, DNA repair protein; minus strand). Cytogenetic location: 8q24.3.
Variant type: single nucleotide variant.
Coding change: c.1011+3G>A on transcript NM_013432.5 (MANE Select); 3 bases into the intron after coding-DNA position 1011, G replaced by A.
Molecular consequence: intron variant.
Genome position (GRCh38, 1-based): chr8:144,440,963, C>T on the plus strand (G>A on the coding strand, the complement: TONSL is on the minus strand). VCF-style: chr8-144440963-C-T. GRCh37 (hg19) VCF-style: chr8-145666346-C-T.
Identifiers: ClinVar variation 1376286 (VCV001376286.3), dbSNP rs368363628, ClinGen allele CA4943430.
Genomic context (GRCh38, chr8:144,440,963, plus strand): 5'-CACCCTGGCCAGGCCTCGTCAACCTCACTGGCCCTTCCCTCCCACCCAGCCGGGGCCACA[C>T]ACCTGCTTCTGGTAAGCCTCAGCTGCCCTGGGAAAGTCTCCTGCCTTGGAGAAGAGGTCC-3'

ClinVar aggregate classification (germline): Uncertain significance (1 of 4 stars; one submission).

Allele frequency attached by ClinVar (database versions not stated): gnomAD exomes 0.00007 and 0.00012; ExAC 0.00011; ESP Exome Variant Server 0.00015; gnomAD 0.00015 and 0.00017; TOPMed 0.00018; 1000 Genomes Project 0.00040; 1000 Genomes Project 30x 0.00047.
gnomAD v4.1: 141 of 1,613,082 alleles (0.0087%); highest among the groups gnomAD compares: African/African-American, 0.047%; 1 homozygote.

Submission:

Labcorp Genetics (formerly Invitae), Labcorp
Classification: Uncertain significance. Last evaluated: 2022-10-20. Review status: criteria provided, single submitter. Criteria: Invitae Variant Classification Sherloc (09022015). Collection method: clinical testing. Allele origin: germline.
Comment: This sequence change falls in intron 8 of the TONSL gene. It does not directly change the encoded amino acid sequence of the TONSL protein. It affects a nucleotide within the consensus splice site. This variant is present in population databases (rs368363628, gnomAD 0.1%). This variant has not been reported in the literature in individuals affected with TONSL-related conditions. ClinVar contains an entry for this variant (Variation ID: 1376286). Variants that disrupt the consensus splice site are a relatively common cause of aberrant splicing (PMID: 17576681, 9536098). Algorithms developed to predict the effect of sequence changes on RNA splicing suggest that this variant is not likely to affect RNA splicing. In summary, the available evidence is currently insufficient to determine the role of this variant in disease. Therefore, it has been classified as a Variant of Uncertain Significance.

Literature cited by the submitters: PubMed 17576681; PubMed 9536098.